The following is an entry in ClinVar:

ClinVar aggregate classification (germline): Uncertain significance (1 of 4 stars; one submission).

Allele frequency attached by ClinVar (database versions not stated): gnomAD 0.00002; ExAC 0.00004.
gnomAD v4.1: 6 of 1,568,854 alleles (0.00038%); highest among the groups gnomAD compares: Non-Finnish European, 0.00052%; no homozygotes.

Submission:

Labcorp Genetics (formerly Invitae), Labcorp
Classification: Uncertain significance. Last evaluated: 2022-09-09. Review status: criteria provided, single submitter. Criteria: Invitae Variant Classification Sherloc (09022015). Collection method: clinical testing. Allele origin: germline.
Comment: Algorithms developed to predict the effect of missense changes on protein structure and function are either unavailable or do not agree on the potential impact of this missense change (SIFT: "Deleterious"; PolyPhen-2: "Not Available"; Align-GVGD: "Class C35"). This variant has not been reported in the literature in individuals affected with MNX1-related conditions. The frequency data for this variant in the population databases is considered unreliable, as metrics indicate poor data quality at this position in the gnomAD database. This sequence change replaces aspartic acid, which is acidic and polar, with tyrosine, which is neutral and polar, at codon 388 of the MNX1 protein (p.Asp388Tyr). In summary, the available evidence is currently insufficient to determine the role of this variant in disease. Therefore, it has been classified as a Variant of Uncertain Significance.

NM_005515.4(MNX1):c.1162G>T (p.Asp388Tyr)

Gene: MNX1 (motor neuron and pancreas homeobox 1; minus strand). Cytogenetic location: 7q36.3.
Variant type: single nucleotide variant.
Coding change: c.1162G>T on transcript NM_005515.4 (MANE Select); coding-DNA position 1162, G replaced by T.
Protein change: p.Asp388Tyr; replaces aspartic acid 388 with tyrosine.
Molecular consequence: missense variant.
Genome position (GRCh38, 1-based): chr7:157,005,564, C>A on the plus strand (G>T on the coding strand, the complement: MNX1 is on the minus strand). VCF-style: chr7-157005564-C-A. GRCh37 (hg19) VCF-style: chr7-156798258-C-A.
Other names: c.526G>T, p.Asp176Tyr (NM_001165255.2); short protein forms D176Y, D388Y.
Identifiers: ClinVar variation 1989154 (VCV001989154.4), dbSNP rs753624821, ClinGen allele CA4589099.
Genomic context (GRCh38, chr7:157,005,564, plus strand): 5'-CTGGGCCGCGGGGCTCCTACTGGGGCGCGGGCTGGTGGCTGGGCCGCGGGGGCGGCGAGT[C>A]GTCCTCCGAGGAGCAGTCGGAGGAGGCGGCGTGGACGCTGGCGCCGTTGCTGTAGGGGAA-3'
Protein context (NP_005506.3, residues 378-398): AASSDCSSED[Asp388Tyr]SPPPRPSHQP